The following is an entry in ClinVar:

NM_001015880.2(PAPSS2):c.861A>G (p.Leu287=)

Gene: PAPSS2 (3'-phosphoadenosine 5'-phosphosulfate synthase 2; plus strand). Cytogenetic location: 10q23.31.
Variant type: single nucleotide variant.
Coding change: c.861A>G on transcript NM_001015880.2 (MANE Select); coding-DNA position 861, A replaced by G.
Protein change: p.Leu287=; no amino-acid change (leucine 287 retained).
Molecular consequence: synonymous variant.
Genome position (GRCh38, 1-based): chr10:87,715,839, A>G. VCF-style: chr10-87715839-A-G. GRCh37 (hg19) VCF-style: chr10-89475596-A-G.
Other names: c.861A>G (NM_004670.3); c.861A>G, p.Leu287= (NM_004670.4).
Identifiers: ClinVar variation 282996 (VCV000282996.42), dbSNP rs150727538, ClinGen allele CA5589568.

ClinVar aggregate classification (germline): Benign/Likely benign. Review status: criteria provided, multiple submitters, no conflicts (2 of 4 stars). 6 submissions from 6 submitters: Benign (3); Likely benign (2). 1 of the submissions does not count toward it. Last evaluated 2026-01-07.

Conditions:
PAPSS2-related disorder. Also called: PAPSS2-related condition.
Spondyloepimetaphyseal dysplasia, PAPSS2 type. Also called: BRACHYOLMIA TYPE 4 WITH MILD EPIPHYSEAL AND METAPHYSEAL CHANGES; SPONDYLODYSPLASIA AND PREMATURE PUBARCHE; SEMD, PAKISTANI TYPE. Identifiers: Orphanet 93282, MedGen C2748516, MONDO:0019666, OMIM 612847.

Allele frequency attached by ClinVar (database versions not stated): gnomAD exomes 0.00017 and 0.00039; ExAC 0.00055; 1000 Genomes Project 0.00100; 1000 Genomes Project 30x 0.00109; gnomAD 0.00178 and 0.00196; TOPMed 0.00198; ESP Exome Variant Server 0.00208.
gnomAD v4.1: 512 of 1,563,558 alleles (0.033%); highest among the groups gnomAD compares: African/African-American, 0.62%; 1 homozygote.

Submissions (6):

Labcorp Genetics (formerly Invitae), Labcorp
Classification: Benign for Spondyloepimetaphyseal dysplasia, PAPSS2 type. Last evaluated: 2026-01-07. Review status: criteria provided, single submitter. Criteria: Invitae Variant Classification Sherloc (09022015). Collection method: clinical testing. Allele origin: germline.

CeGaT Center for Human Genetics Tuebingen
Classification: Likely benign. Last evaluated: 2025-04-01. Review status: criteria provided, single submitter. Criteria: CeGaT Center For Human Genetics Tuebingen Variant Classification Criteria Version 2. Collection method: clinical testing. Allele origin: germline. Affected: yes. Observed: 3 variant alleles.
Comment: PAPSS2: BP4, BP7

Blueprint Genetics
Classification: Likely benign. Last evaluated: 2024-06-20. Review status: criteria provided, single submitter. Criteria: ACMG Guidelines, 2015. Collection method: clinical testing. Allele origin: germline.

Eurofins Ntd Llc (ga)
Classification: Benign. Last evaluated: 2015-09-15. Review status: criteria provided, single submitter. Criteria: EGL Classification Definitions 2015. Collection method: clinical testing. Allele origin: germline. Observed: 1 variant allele, 1 heterozygote.

Breakthrough Genomics
Classification: Benign. Review status: criteria provided, single submitter. Criteria: ACMG Guidelines, 2015. Collection method: not provided. Allele origin: germline. Inheritance: Autosomal recessive inheritance. Affected: yes.

PreventionGenetics, part of Exact Sciences
Classification: Likely benign for PAPSS2-related condition. Last evaluated: 2019-06-17. Review status: no assertion criteria provided. Collection method: clinical testing. Allele origin: germline. Not counted in ClinVar's aggregate classification.
Comment: This variant is classified as likely benign based on ACMG/AMP sequence variant interpretation guidelines (Richards et al. 2015 PMID: 25741868, with internal and published modifications).